The following is an entry in ClinVar:

NM_021942.6(TRAPPC11):c.359G>A (p.Arg120Lys)

Gene: TRAPPC11 (trafficking protein particle complex subunit 11; plus strand). Cytogenetic location: 4q35.1.
Variant type: single nucleotide variant.
Coding change: c.359G>A on transcript NM_021942.6 (MANE Select); coding-DNA position 359, G replaced by A.
Protein change: p.Arg120Lys; replaces arginine 120 with lysine.
Molecular consequence: missense variant.
Genome position (GRCh38, 1-based): chr4:183,666,411, G>A. VCF-style: chr4-183666411-G-A. GRCh37 (hg19) VCF-style: chr4-184587564-G-A.
Other names: c.359G>A, p.Arg120Lys (NM_199053.3); short protein forms R120K.
Identifiers: ClinVar variation 653544 (VCV000653544.7), dbSNP rs367769488, ClinGen allele CA111835098.

ClinVar aggregate classification (germline): Uncertain significance (1 of 4 stars; one submission).

Conditions:
Autosomal recessive limb-girdle muscular dystrophy type R18 (LGMDR18). Also called: Autosomal recessive limb-girdle muscular dystrophy type 2S; Limb-girdle muscular dystrophy, type 2S; MUSCULAR DYSTROPHY, LIMB-GIRDLE, AUTOSOMAL RECESSIVE 18. Identifiers: Orphanet 369840, MedGen C4517996, MONDO:0014144, OMIM 615356.

Allele frequency attached by ClinVar (database versions not stated): gnomAD exomes below 0.00001; gnomAD 0.00001; TOPMed 0.00002; ESP Exome Variant Server 0.00008.
gnomAD v4.1: 26 of 1,613,668 alleles (0.0016%); highest among the groups gnomAD compares: Non-Finnish European, 0.0021%; no homozygotes.

Submission:

Labcorp Genetics (formerly Invitae), Labcorp
Classification: Uncertain significance for Autosomal recessive limb-girdle muscular dystrophy type R18. Last evaluated: 2021-07-20. Review status: criteria provided, single submitter. Criteria: Invitae Variant Classification Sherloc (09022015). Collection method: clinical testing. Allele origin: germline.
Comment: This sequence change replaces arginine with lysine at codon 120 of the TRAPPC11 protein (p.Arg120Lys). The arginine residue is moderately conserved and there is a small physicochemical difference between arginine and lysine. In summary, the available evidence is currently insufficient to determine the role of this variant in disease. Therefore, it has been classified as a Variant of Uncertain Significance. Algorithms developed to predict the effect of missense changes on protein structure and function (SIFT, PolyPhen-2, Align-GVGD) all suggest that this variant is likely to be tolerated, but these predictions have not been confirmed by published functional studies and their clinical significance is uncertain. This variant has not been reported in the literature in individuals with TRAPPC11-related conditions. This variant is not present in population databases (ExAC no frequency).